The following is an entry in ClinVar:

ClinVar aggregate classification (germline): Conflicting classifications of pathogenicity. Review status: criteria provided, conflicting classifications (1 of 4 stars). 2 submissions from 2 submitters: Likely pathogenic (1); Uncertain significance (1). Last evaluated 2023-08-27.

Conditions:
Autosomal dominant nonsyndromic hearing loss 4A. Also called: Deafness, autosomal dominant 4A. Identifiers: Orphanet 90635, MedGen C1833503, MONDO:0010915, OMIM 600652.

Allele frequency attached by ClinVar (database versions not stated): gnomAD exomes below 0.00001.
gnomAD v4.1: 1 of 1,609,832 alleles (0.000062%); highest among the groups gnomAD compares: Non-Finnish European, 0.000085%; no homozygotes.

Submissions (2):

GeneDx
Classification: Uncertain significance. Last evaluated: 2023-08-27. Review status: criteria provided, single submitter. Criteria: GeneDx Variant Classification Process June 2021. Collection method: clinical testing. Allele origin: germline. Affected: yes.
Comment: Nonsense variant predicted to result in protein truncation as the last 34 amino acids are lost, although the effect on protein function is unclear; Has not been previously published as pathogenic or benign to our knowledge

Clinical Genetics Service, Universitary Hospital 12 de Octubre
Classification: Likely pathogenic for Autosomal dominant nonsyndromic hearing loss 4A. Review status: criteria provided, single submitter. Criteria: ACMG Guidelines, 2015. Collection method: clinical testing. Allele origin: maternal. Affected: yes.

NM_001145809.2(MYH14):c.6007C>T (p.Arg2003Ter)

Gene: MYH14 (myosin heavy chain 14; plus strand). Cytogenetic location: 19q13.33.
Variant type: single nucleotide variant.
Coding change: c.6007C>T on transcript NM_001145809.2 (MANE Select); coding-DNA position 6007, C replaced by T.
Protein change: p.Arg2003Ter; replaces arginine 2003 with a stop codon.
Molecular consequence: nonsense.
Genome position (GRCh38, 1-based): chr19:50,309,686, C>T. VCF-style: chr19-50309686-C-T. GRCh37 (hg19) VCF-style: chr19-50812943-C-T.
Other names: c.5908C>T, p.Arg1970Ter (NM_001077186.2); c.5884C>T, p.Arg1962Ter (NM_024729.4); c.6007C>T (NM_001145809.1); short protein forms R1962*, R1970*, R2003*.
Identifiers: ClinVar variation 1308238 (VCV001308238.6), dbSNP rs1247510067, ClinGen allele CA406966034.